The following is an entry in ClinVar:

ClinVar aggregate classification (germline): Uncertain significance (1 of 4 stars; one submission).

Allele frequency attached by ClinVar (database versions not stated): ESP Exome Variant Server 0.00015; TOPMed 0.00015; gnomAD exomes 0.00020; gnomAD 0.00021; ExAC 0.00029; 1000 Genomes Project 0.00080; 1000 Genomes Project 30x 0.00109.
gnomAD v4.1: 325 of 1,614,242 alleles (0.02%); highest among the groups gnomAD compares: Admixed American, 0.042%; no homozygotes.

Submission:

CeGaT Center for Human Genetics Tuebingen
Classification: Uncertain significance. Last evaluated: 2023-09-01. Review status: criteria provided, single submitter. Criteria: CeGaT Center For Human Genetics Tuebingen Variant Classification Criteria Version 2. Collection method: clinical testing. Allele origin: germline. Affected: yes. Observed: 1 variant allele.
Comment: SLIT3: PM2

NM_003062.4(SLIT3):c.3268G>A (p.Val1090Met)

Gene: SLIT3 (slit guidance ligand 3; minus strand). Cytogenetic location: 5q34.
Variant type: single nucleotide variant.
Coding change: c.3268G>A on transcript NM_003062.4 (MANE Select); coding-DNA position 3268, G replaced by A.
Protein change: p.Val1090Met; replaces valine 1090 with methionine.
Molecular consequence: missense variant.
Genome position (GRCh38, 1-based): chr5:168,687,025, C>T on the plus strand (G>A on the coding strand, the complement: SLIT3 is on the minus strand). VCF-style: chr5-168687025-C-T. GRCh37 (hg19) VCF-style: chr5-168114030-C-T.
Other names: c.3289G>A, p.Val1097Met (NM_001271946.2); short protein forms V1090M, V1097M.
Identifiers: ClinVar variation 2656050 (VCV002656050.24), dbSNP rs148887706, ClinGen allele CA3550972.